The following is an entry in ClinVar:

NM_000530.8(MPZ):c.233C>G (p.Ser78Trp)

Gene: MPZ (myelin protein zero; minus strand). Cytogenetic location: 1q23.3.
Variant type: single nucleotide variant.
Coding change: c.233C>G on transcript NM_000530.8 (MANE Select); coding-DNA position 233, C replaced by G.
Protein change: p.Ser78Trp; replaces serine 78 with tryptophan.
Molecular consequence: missense variant.
Genome position (GRCh38, 1-based): chr1:161,307,259, G>C on the plus strand (C>G on the coding strand, the complement: MPZ is on the minus strand). VCF-style: chr1-161307259-G-C. GRCh37 (hg19) VCF-style: chr1-161277049-G-C.
Other names: c.233C>G, p.Ser78Trp (NM_001315491.2); c.233C>G (NM_000530.7, LRG_256t1); short protein forms S78W.
Identifiers: ClinVar variation 411669 (VCV000411669.18), dbSNP rs121913601, ClinGen allele CA16609896.

ClinVar aggregate classification (germline): Pathogenic/Likely pathogenic. Review status: criteria provided, multiple submitters, no conflicts (2 of 4 stars). 7 submissions from 7 submitters: Pathogenic (1); Likely pathogenic (5). 1 of the submissions does not count toward it. Last evaluated 2025-10-10.

Conditions:
MPZ-related disorder. Also called: MPZ-related condition; MPZ-related disorders.
Charcot-Marie-Tooth disease. Also called: Charcot-Marie-Tooth Neuropathy; Charcot-Marie-Tooth Hereditary Neuropathy. Identifiers: Orphanet 166, MedGen C0007959, MONDO:0015626.
Charcot-Marie-Tooth disease, type I (CMT1). Also called: Charcot-Marie-Tooth disease type 1; Charcot-Marie-Tooth, Type 1. Identifiers: Orphanet 65753, MedGen C0751036, MONDO:0019011.
Charcot-Marie-Tooth disease type 1B. Also called: CHARCOT-MARIE-TOOTH DISEASE, AUTOSOMAL DOMINANT, WITH FOCALLY FOLDED MYELIN SHEATHS, TYPE 1B; CHARCOT-MARIE-TOOTH DISEASE, SLOW NERVE CONDUCTION TYPE, LINKED TO DUFFY; CHARCOT-MARIE-TOOTH NEUROPATHY, TYPE 1B; HEREDITARY MOTOR AND SENSORY NEUROPATHY I; HEREDITARY MOTOR AND SENSORY NEUROPATHY IB; PERONEAL MUSCULAR ATROPHY. Identifiers: Orphanet 101082, MedGen C0270912, MONDO:0007307, OMIM 118200.

Submissions (7):

Women's Health and Genetics/Laboratory Corporation of America, LabCorp
Classification: Likely pathogenic for Charcot-Marie-Tooth disease type 1B. Last evaluated: 2025-10-10. Review status: criteria provided, single submitter. Criteria: LabCorp Variant Classification Summary - May 2015. Collection method: clinical testing. Allele origin: germline.
Comment: Variant summary: MPZ c.233C>G (p.Ser78Trp) results in a non-conservative amino acid change in the encoded protein sequence. Algorithms developed to predict the effect of missense changes on protein structure and function are either unavailable or do not agree on the potential impact of this missense change. Consensus agreement among computation tools predict no significant impact on normal splicing. However, these predictions have yet to be confirmed by functional studies. The variant was absent in 251140 control chromosomes. c.233C>G has been observed in individuals affected with Charcot-Marie-Tooth disease type 1B (Kakar_2003, Lei_2023, Internal data). These data indicate that the variant is likely to be associated with disease. A different missense varinat affecting the same codon has been reported in multiple individuals with Charcot-Marie-Tooth disease type 1 and has been classified as pathogenic by our own lab. To our knowledge, no experimental evidence demonstrating an impact on protein function has been reported. The following publications have been ascertained in the context of this evaluation (PMID: 12707985, 36692866, 33179255, 34255403). ClinVar contains an entry for this variant (Variation ID: 411669). Based on the evidence outlined above, the variant was classified as likely pathogenic.

Labcorp Genetics (formerly Invitae), Labcorp
Classification: Pathogenic for Charcot-Marie-Tooth disease, type I. Last evaluated: 2025-09-10. Review status: criteria provided, single submitter. Criteria: Invitae Variant Classification Sherloc (09022015). Collection method: clinical testing. Allele origin: germline.
Comment: This sequence change replaces serine, which is neutral and polar, with tryptophan, which is neutral and slightly polar, at codon 78 of the MPZ protein (p.Ser78Trp). This variant is not present in population databases (gnomAD no frequency). This missense change has been observed in individuals with autosomal dominant Charcot-Marie-Tooth disease (PMID: 12707985; internal data). Invitae Evidence Modeling of clinical and family history, age, sex, and reported ancestry of multiple individuals with this MPZ variant has been performed. This variant is expected to be pathogenic with a positive predictive value of at least 99%. This is a validated machine learning model that incorporates the clinical features of 13,236 individuals referred to our laboratory for MPZ testing. ClinVar contains an entry for this variant (Variation ID: 411669). An algorithm developed to predict the effect of missense changes on protein structure and function (PolyPhen-2) suggests that this variant is likely to be disruptive. This variant disrupts the p.Ser78 amino acid residue in MPZ. Other variant(s) that disrupt this residue have been determined to be pathogenic (PMID: 7527371, 9633821, 18347322). This suggests that this residue is clinically significant, and that variants that disrupt this residue are likely to be disease-causing. For these reasons, this variant has been classified as Pathogenic.

3billion
Classification: Likely pathogenic for MPZ-related disorder. Last evaluated: 2025-08-19. Review status: criteria provided, single submitter. Criteria: ACMG Guidelines, 2015. Collection method: clinical testing. Allele origin: germline. Affected: yes.
Comment: The variant is not observed in the gnomAD v4.1.0 dataset. Predicted Consequence/Location: Missense variant In silico tool predictions suggest damaging effect of the variant on gene or gene product [REVEL: 0.69 (>=0.6, sensitivity 0.68 and specificity 0.92); 3Cnet: 0.99 (> 0.75, sensitivity 0.96 and precision 0.92)]. The same nucleotide change resulting in the same amino acid change has been previously reported as pathogenic/likely pathogenic with strong evidence (ClinVar ID: VCV000411669 /PMID: 12707985). A different missense change at the same codon (p.Ser78Leu) has been reported as pathogenic/likely pathogenic with strong evidence (ClinVar ID: VCV000014188 /PMID: 7527371 /3billion dataset). Therefore, this variant is classified as Likely pathogenic according to the recommendation of ACMG/AMP guideline.

ARUP Laboratories, Molecular Genetics and Genomics, ARUP Laboratories
Classification: Likely pathogenic. Last evaluated: 2024-12-31. Review status: criteria provided, single submitter. Criteria: ARUP Molecular Germline Variant Investigation Process 2024. Collection method: clinical testing. Allele origin: germline.
Comment: The MPZ c.233C>G; p.Ser78Trp variant (rs121913601, ClinVar Variation ID: 411669) is reported in the literature in several individuals affected with Charcot-Marie-Tooth (CMT) disease (Kakar 2003, Lei 2003, Xie 2021). This variant is absent from the Genome Aggregation Database (v2.1.1), indicating it is not a common polymorphism. Computational analyses are uncertain whether this variant is neutral or deleterious (REVEL: 0.688). Additionally, another variant at this codon (c.233C>T; p.Ser78Leu) has been reported in individuals with CMT and is considered pathogenic (Benko 2008, Lei 2003, Nelis 1994, Silander 1998, Xie 2021). Based on available information, the p.Ser78Trp variant is considered to be likely pathogenic. References: Benko WS et al. Uniparental disomy of chromosome 1 causing concurrent Charcot-Marie-Tooth and Gaucher disease Type 3. Neurology. 2008 Mar 18;70(12):976-8. PMID: 18347322. Kakar R et al. Clinical and genetic analysis of CMT1B in a Nigerian family. Muscle Nerve. 2003 May;27(5):628-30. PMID: 12707985. Lei L et al. Genotype-phenotype characteristics and baseline natural history of Chinese myelin protein zero gene related neuropathy patients. Eur J Neurol. 2023 Apr;30(4):1069-1079. PMID: 36692866. Nelis E et al. Rapid screening of myelin genes in CMT1 patients by SSCP analysis: identification of new mutations and polymorphisms in the P0 gene. Hum Genet. 1994 Dec;94(6):653-7. PMID: 7527371. Silander K et al. Spectrum of mutations in Finnish patients with Charcot-Marie-Tooth disease and related neuropathies. Hum Mutat. 1998;12(1):59-68. PMID: 9633821. Xie Y et al. Genotype and phenotype distribution of 435 patients with Charcot-Marie-Tooth disease from central south China. Eur J Neurol. 2021 Nov;28(11):3774-3783. PMID: 34255403.

PreventionGenetics, part of Exact Sciences
Classification: Likely pathogenic for MPZ-related condition. Last evaluated: 2023-03-15. Review status: criteria provided, single submitter. Criteria: ACMG Guidelines, 2015. Collection method: clinical testing. Allele origin: germline.
Comment: The MPZ c.233C>G variant is predicted to result in the amino acid substitution p.Ser78Trp. This variant was reported in an individual with a personal and family history of Charcot-Marie-Tooth disease, type 1B (Kakar et al. 2003. PubMed ID: 12707985). A different amino acid substitution (p.Ser78Leu) has also been reported to be pathogenic for Charcot-Marie-Tooth disease, type 1B (Nelis et al. 1994. PubMed ID: 7527371). This variant has not been reported in a large population database, indicating this variant is rare. This variant is interpreted as likely pathogenic.

Athena Diagnostics
Classification: Likely pathogenic. Last evaluated: 2020-01-13. Review status: criteria provided, single submitter. Criteria: Athena Diagnostics Criteria. Collection method: clinical testing. Allele origin: unknown.
Comment: Not found in the total gnomAD dataset, and the data is high quality. Found in at least one patient with expected phenotype for this gene. Predicted to have a damaging effect on the protein. Located in potentially critical domain of the protein. One other pathogenic or likely pathogenic variant affects the same amino acid.

Inherited Neuropathy Consortium
Classification: Uncertain significance for Charcot-Marie-Tooth disease. Review status: no assertion criteria provided. Collection method: literature only. Allele origin: germline. Affected: yes. Not counted in ClinVar's aggregate classification.

Literature cited by the submitters: PubMed 34255403 (cited by Women's Health and Genetics/Laboratory Corporation of America, LabCorp); PubMed 12707985 (cited by 5 submitters); PubMed 36692866 (cited by Women's Health and Genetics/Laboratory Corporation of America, LabCorp); PubMed 33179255 (cited by Women's Health and Genetics/Laboratory Corporation of America, LabCorp); PubMed 7527371 (cited by Labcorp Genetics (formerly Invitae), Labcorp and 3billion); PubMed 9633821 (cited by Labcorp Genetics (formerly Invitae), Labcorp); PubMed 18347322 (cited by Labcorp Genetics (formerly Invitae), Labcorp); PubMed 26135405 (cited by Athena Diagnostics).